The following is an entry in ClinVar:

ClinVar aggregate classification (germline): Likely benign. Review status: criteria provided, multiple submitters, no conflicts (2 of 4 stars). 3 submissions from 3 submitters: Likely benign (3). Last evaluated 2026-07-27.

Conditions:
Hereditary cancer-predisposing syndrome. Also called: Hereditary neoplastic syndrome; Neoplastic Syndromes, Hereditary; Tumor predisposition; Hereditary Cancer Syndrome. Identifiers: Orphanet 140162, MedGen C0027672, MeSH D009386, MONDO:0015356.
Hereditary breast ovarian cancer syndrome. Also called: Hereditary breast and ovarian cancer syndrome (HBOC); Hereditary breast and ovarian cancer; Breast and ovarian cancer; Hereditary breast and/or ovarian cancer syndrome; Hereditary breast and ovarian cancer syndrome; BRCA1- and BRCA2-Associated Hereditary Breast and Ovarian Cancer. Identifiers: Orphanet 145, MedGen C0677776, MeSH D061325, MONDO:0003582. Disease mechanism: loss of function.
Breast-ovarian cancer, familial, susceptibility to, 2 (BROVCA2). Also called: BRCA2 Hereditary Breast and Ovarian Cancer. Identifiers: Orphanet 145, MedGen C2675520, MONDO:0012933, OMIM 612555. Disease mechanism: loss of function.

Submissions (3):

Ambry Genetics
Classification: Likely benign for Hereditary cancer-predisposing syndrome. Last evaluated: 2026-07-27. Review status: criteria provided, single submitter. Criteria: Ambry Variant Classification Scheme 2023. Collection method: clinical testing. Allele origin: germline.

All of Us Research Program, National Institutes of Health
Classification: Likely benign for Breast-ovarian cancer, familial, susceptibility to, 2. Last evaluated: 2023-06-08. Review status: criteria provided, single submitter. Criteria: ACMG Guidelines, 2015. Collection method: clinical testing. Allele origin: germline. Inheritance: Autosomal dominant inheritance. Observed: 1 variant allele, 1 heterozygote.
Comment: This study involves interpretation of variants in research participants for the purpose of population health screening. Participant phenotype was not available at the time of variant classification. Additional details can be found in publication PMID: 35346344, PMCID: PMC8962531

Labcorp Genetics (formerly Invitae), Labcorp
Classification: Likely benign for Hereditary breast ovarian cancer syndrome. Last evaluated: 2022-07-31. Review status: criteria provided, single submitter. Criteria: Invitae Variant Classification Sherloc (09022015). Collection method: clinical testing. Allele origin: germline.

NM_000059.4(BRCA2):c.873A>G (p.Leu291=)

Gene: BRCA2 (BRCA2 DNA repair associated; plus strand). Cytogenetic location: 13q13.1.
Variant type: single nucleotide variant.
Coding change: c.873A>G on transcript NM_000059.4 (MANE Select); coding-DNA position 873, A replaced by G.
Protein change: p.Leu291=; no amino-acid change (leucine 291 retained).
Molecular consequence: synonymous variant. On other transcripts: non-coding transcript variant (1), intron variant (1).
Genome position (GRCh38, 1-based): chr13:32,332,351, A>G. VCF-style: chr13-32332351-A-G. GRCh37 (hg19) VCF-style: chr13-32906488-A-G.
Other names: c.873A>G, p.Leu291= (NM_001406719.1, NM_001406720.1, NM_001406721.1); c.424+1321A>G (NM_001406722.1).
Identifiers: ClinVar variation 2020820 (VCV002020820.6), dbSNP rs2137465443, ClinGen allele CA483274699.